The following is an entry in ClinVar:

NM_001379200.1(TBX1):c.78C>G (p.Ser26Arg)

Gene: TBX1 (T-box transcription factor 1; plus strand). Cytogenetic location: 22q11.21.
Variant type: single nucleotide variant.
Coding change: c.78C>G on transcript NM_001379200.1 (MANE Select); coding-DNA position 78, C replaced by G.
Protein change: p.Ser26Arg; replaces serine 26 with arginine.
Molecular consequence: missense variant.
Genome position (GRCh38, 1-based): chr22:19,760,921, C>G. VCF-style: chr22-19760921-C-G. GRCh37 (hg19) VCF-style: chr22-19748444-C-G.
Other names: c.51C>G, p.Ser17Arg (NM_005992.1, NM_080646.2, NM_080647.1); short protein forms S17R, S26R.
Identifiers: ClinVar variation 1746012 (VCV001746012.2), dbSNP rs2517841304, ClinGen allele CA410681106.

ClinVar aggregate classification (germline): Uncertain significance (1 of 4 stars; one submission).

Conditions:
Cardiovascular phenotype. Identifiers: MedGen CN230736.

Submission:

Ambry Genetics
Classification: Uncertain significance for Cardiovascular phenotype. Last evaluated: 2021-11-19. Review status: criteria provided, single submitter. Criteria: Ambry Variant Classification Scheme 2023. Collection method: clinical testing. Allele origin: germline.
Comment: The p.S17R variant (also known as c.51C>G), located in coding exon 2 of the TBX1 gene, results from a C to G substitution at nucleotide position 51. The serine at codon 17 is replaced by arginine, an amino acid with dissimilar properties. This amino acid position is conserved. In addition, this alteration is predicted to be tolerated by in silico analysis. Since supporting evidence is limited at this time, the clinical significance of this alteration remains unclear.